The following is an entry in ClinVar:

ClinVar aggregate classification (germline): Uncertain significance (1 of 4 stars; one submission).

Conditions:
Cardiovascular phenotype. Identifiers: MedGen CN230736.

Allele frequency attached by ClinVar (database versions not stated): gnomAD 0.00001; gnomAD exomes 0.00001; TOPMed 0.00002; ExAC 0.00011.
gnomAD v4.1: 16 of 1,550,148 alleles (0.001%); highest among the groups gnomAD compares: South Asian, 0.0071%; no homozygotes.

Submission:

Ambry Genetics
Classification: Uncertain significance for Cardiovascular phenotype. Last evaluated: 2022-09-05. Review status: criteria provided, single submitter. Criteria: Ambry Variant Classification Scheme 2023. Collection method: clinical testing. Allele origin: germline.
Comment: The p.G1391D variant (also known as c.4172G>A), located in coding exon 2 of the ZNF469 gene, results from a G to A substitution at nucleotide position 4172. The glycine at codon 1391 is replaced by aspartic acid, an amino acid with similar properties. This amino acid position is conserved. In addition, this alteration is predicted to be tolerated by in silico analysis. Since supporting evidence is limited at this time, the clinical significance of this alteration remains unclear.

NM_001367624.2(ZNF469):c.4256G>A (p.Gly1419Asp)

Gene: ZNF469 (zinc finger protein 469; plus strand). Cytogenetic location: 16q24.2.
Variant type: single nucleotide variant.
Coding change: c.4256G>A on transcript NM_001367624.2 (MANE Select); coding-DNA position 4256, G replaced by A.
Protein change: p.Gly1419Asp; replaces glycine 1419 with aspartic acid.
Molecular consequence: missense variant.
Genome position (GRCh38, 1-based): chr16:88,431,726, G>A. VCF-style: chr16-88431726-G-A. GRCh37 (hg19) VCF-style: chr16-88498134-G-A.
Other names: NM_001127464.1:c.4172G>A; short protein forms G1419D.
Identifiers: ClinVar variation 1738427 (VCV001738427.2), dbSNP rs774882800, ClinGen allele CA8224927.